The following is an entry in ClinVar:

NM_004519.4(KCNQ3):c.52G>A (p.Gly18Arg)

Gene: KCNQ3 (potassium voltage-gated channel subfamily Q member 3; minus strand). Cytogenetic location: 8q24.22.
Variant type: single nucleotide variant.
Coding change: c.52G>A on transcript NM_004519.4 (MANE Select); coding-DNA position 52, G replaced by A.
Protein change: p.Gly18Arg; replaces glycine 18 with arginine.
Molecular consequence: missense variant.
Genome position (GRCh38, 1-based): chr8:132,480,481, C>T on the plus strand (G>A on the coding strand, the complement: KCNQ3 is on the minus strand). VCF-style: chr8-132480481-C-T. GRCh37 (hg19) VCF-style: chr8-133492728-C-T.
Other names: short protein forms G18R.
Identifiers: ClinVar variation 3036128 (VCV003036128.2), dbSNP rs755333945, ClinGen allele CA4881032.

ClinVar aggregate classification (germline): Uncertain significance (0 of 4 stars; one submission).

Conditions:
KCNQ3-related disorder. Also called: KCNQ3-Related Disorders; KCNQ3-related condition. Identifiers: MedGen CN381530.

Allele frequency attached by ClinVar (database versions not stated): gnomAD 0.00001; 1000 Genomes Project 30x 0.00016.
gnomAD v4.1: 4 of 1,216,808 alleles (0.00033%); highest among the groups gnomAD compares: East Asian, 0.0035%; no homozygotes.

Submission:

PreventionGenetics, part of Exact Sciences
Classification: Uncertain significance for KCNQ3-related condition. Last evaluated: 2023-12-11. Review status: no assertion criteria provided. Collection method: clinical testing. Allele origin: germline.
Comment: The KCNQ3 c.52G>A variant is predicted to result in the amino acid substitution p.Gly18Arg. To our knowledge, this variant has not been reported in the literature or in a large population database, indicating this variant is rare. At this time, the clinical significance of this variant is uncertain due to the absence of conclusive functional and genetic evidence.